The following is an entry in ClinVar:

ClinVar aggregate classification (germline): Uncertain significance (1 of 4 stars; one submission).

Submission:

Women's Health and Genetics/Laboratory Corporation of America, LabCorp
Classification: Uncertain significance. Last evaluated: 2026-02-12. Review status: criteria provided, single submitter. Criteria: LabCorp Variant Classification Summary - May 2015. Collection method: clinical testing. Allele origin: germline.
Comment: Variant summary: The variant involves the duplication of exons 6-19 in the AUTS2 gene. A presumed nomenclature of c.(690+1_691-1)_(*2511_?)dup has been designated for the purposes of this classification. The exact breakpoint at the 3' end of this variant is unknown, therefore this duplication may extend downstream of the annotated region of the gene. As it duplicates the termination codon, its effect on the encoded protein is unknown. The variant was absent in 21686 control chromosomes. The available data on variant occurrences in the general population are insufficient to allow any conclusion about variant significance. To our knowledge, no occurrence of c.(690+1_691-1)_(*2511_?)dup in individuals affected with AUTS2-related conditions and no experimental evidence demonstrating its impact on protein function have been reported. ClinVar contains an entry for this variant (Variation ID: 441865, 688799, 1527365). Based on the evidence outlined above, the variant was classified as uncertain significance.

NC_000007.13:g.(69900768_70163554)_(70258493_?)dup

Gene: AUTS2 (activator of transcription and developmental regulator AUTS2; plus strand). Cytogenetic location: 7q11.22.
Variant type: Duplication.
Identifiers: ClinVar variation 4847878 (VCV004847878.1).